The following is an entry in ClinVar:

NM_032242.4(PLXNA1):c.119C>T (p.Pro40Leu)

Gene: PLXNA1 (plexin A1; plus strand). Cytogenetic location: 3q21.3.
Variant type: single nucleotide variant.
Coding change: c.119C>T on transcript NM_032242.4 (MANE Select); coding-DNA position 119, C replaced by T.
Protein change: p.Pro40Leu; replaces proline 40 with leucine.
Molecular consequence: missense variant.
Genome position (GRCh38, 1-based): chr3:126,988,712, C>T. VCF-style: chr3-126988712-C-T. GRCh37 (hg19) VCF-style: chr3-126707555-C-T.
Other names: short protein forms P40L.
Identifiers: ClinVar variation 3032194 (VCV003032194.2), dbSNP rs528513486, ClinGen allele CA354369998.
Genomic context (GRCh38, chr3:126,988,712, plus strand): 5'-TGCTGCCGGGCATGTGGGCTGAGGCAGGCTTGCCCAGGGCAGGCGGGGGTTCACAGCCCC[C>T]CTTCCGCACCTTCTCGGCCAGCGACTGGGGCCTCACCCACCTAGTGGTGCATGAGCAGAC-3'
Protein context (NP_115618.3, residues 30-50): LPRAGGGSQP[Pro40Leu]FRTFSASDWG

ClinVar aggregate classification (germline): Uncertain significance (0 of 4 stars; one submission).

Conditions:
PLXNA1-related disorder. Also called: PLXNA1-related condition.

gnomAD v4.1: 5 of 1,573,454 alleles (0.00032%); highest among the groups gnomAD compares: East Asian, 0.0045%; no homozygotes.

Submission:

PreventionGenetics, part of Exact Sciences
Classification: Uncertain significance for PLXNA1-related condition. Last evaluated: 2024-01-29. Review status: no assertion criteria provided. Collection method: clinical testing. Allele origin: germline.
Comment: The PLXNA1 c.119C>T variant is predicted to result in the amino acid substitution p.Pro40Leu. To our knowledge, this variant has not been reported in the literature. This variant is reported in 0.0044% of alleles in individuals of South Asian descent in gnomAD. At this time, the clinical significance of this variant is uncertain due to the absence of conclusive functional and genetic evidence.